The following is an entry in ClinVar:

NM_002860.4(ALDH18A1):c.448G>A (p.Glu150Lys)

Gene: ALDH18A1 (aldehyde dehydrogenase 18 family member A1; minus strand). Cytogenetic location: 10q24.1.
Variant type: single nucleotide variant.
Coding change: c.448G>A on transcript NM_002860.4 (MANE Select); coding-DNA position 448, G replaced by A.
Protein change: p.Glu150Lys; replaces glutamic acid 150 with lysine.
Molecular consequence: missense variant. On other transcripts: intron variant (1).
Genome position (GRCh38, 1-based): chr10:95,637,292, C>T on the plus strand (G>A on the coding strand, the complement: ALDH18A1 is on the minus strand). VCF-style: chr10-95637292-C-T. GRCh37 (hg19) VCF-style: chr10-97397049-C-T.
Other names: c.115G>A, p.Glu39Lys (NM_001323418.2, NM_001323412.2, NM_001323416.2); c.-78-3643G>A (NM_001323419.2); c.448G>A, p.Glu150Lys (NM_001017423.2, NM_001323413.2, NM_001323414.2 and 2 more transcripts); short protein forms E150K, E39K.
Identifiers: ClinVar variation 3763067 (VCV003763067.2).

ClinVar aggregate classification (germline): Uncertain significance (1 of 4 stars; one submission).

Conditions:
Cutis laxa, autosomal dominant 3 (ADCL3). Identifiers: Orphanet 90348, MedGen C4225268, MONDO:0014706, OMIM 616603.
Autosomal dominant spastic paraplegia type 9. Identifiers: MedGen C1832669, MONDO:0015091.
de Barsy syndrome. Also called: Cutis laxa-corneal clouding-oligophrenia syndrome. Identifiers: Orphanet 2962, MedGen C0268354, MONDO:0017569.

gnomAD v4.1: 3 of 1,614,236 alleles (0.00019%); highest among the groups gnomAD compares: Middle Eastern, 0.016%; no homozygotes.

Submission:

Labcorp Genetics (formerly Invitae), Labcorp
Classification: Uncertain significance for Autosomal dominant spastic paraplegia type 9; de Barsy syndrome; Cutis laxa, autosomal dominant 3. Last evaluated: 2024-12-31. Review status: criteria provided, single submitter. Criteria: Invitae Variant Classification Sherloc (09022015). Collection method: clinical testing. Allele origin: germline.
Comment: This sequence change replaces glutamic acid, which is acidic and polar, with lysine, which is basic and polar, at codon 150 of the ALDH18A1 protein (p.Glu150Lys). This variant is present in population databases (no rsID available, gnomAD 0.0009%). This variant has not been reported in the literature in individuals affected with ALDH18A1-related conditions. An algorithm developed to predict the effect of missense changes on protein structure and function (PolyPhen-2) suggests that this variant is likely to be tolerated. In summary, the available evidence is currently insufficient to determine the role of this variant in disease. Therefore, it has been classified as a Variant of Uncertain Significance.